The following is an entry in ClinVar:

NM_213618.2(DENND2B):c.2096A>G (p.Tyr699Cys)

Gene: DENND2B (DENN domain containing 2B; minus strand). Cytogenetic location: 11p15.4.
Variant type: single nucleotide variant.
Coding change: c.2096A>G on transcript NM_213618.2 (MANE Select); coding-DNA position 2096, A replaced by G.
Protein change: p.Tyr699Cys; replaces tyrosine 699 with cysteine.
Molecular consequence: missense variant. On other transcripts: intron variant (1), non-coding transcript variant (8).
Genome position (GRCh38, 1-based): chr11:8,712,627, T>C on the plus strand (A>G on the coding strand, the complement: DENND2B is on the minus strand). VCF-style: chr11-8712627-T-C. GRCh37 (hg19) VCF-style: chr11-8734174-T-C.
Other names: c.1845+2976A>G (NM_001376498.1); c.2096A>G, p.Tyr699Cys (NM_001376495.1, NM_001376496.1, NM_001376497.1 and 1 more transcripts); c.1556A>G, p.Tyr519Cys (NM_001376499.1); c.1415A>G, p.Tyr472Cys (NM_001376500.1); c.836A>G, p.Tyr279Cys (NM_001376501.1, NM_001376502.1, NM_001376503.1 and 1 more transcripts); c.620A>G, p.Tyr207Cys (NM_001376504.1); c.512A>G, p.Tyr171Cys (NM_001376505.1, NM_001376506.1); short protein forms Y171C, Y207C, Y279C, Y472C, Y519C, Y699C.
Identifiers: ClinVar variation 5016772 (VCV005016772.1).

ClinVar aggregate classification (germline): Likely pathogenic (1 of 4 stars; one submission).

Submission:

GeneDx
Classification: Likely pathogenic. Last evaluated: 2026-01-21. Review status: criteria provided, single submitter. Criteria: GeneDx Variant Classification Process June 2021. Collection method: clinical testing. Allele origin: germline.
Comment: Not observed at significant frequency in large population cohorts (gnomAD); In silico analysis supports that this missense variant has a deleterious effect on protein structure/function; This variant is associated with the following publications: (PMID: 40717498)